The following is an entry in ClinVar:

NM_000075.4(CDK4):c.458C>A (p.Thr153Lys)

Gene: CDK4 (cyclin dependent kinase 4; minus strand). Cytogenetic location: 12q14.1.
Variant type: single nucleotide variant.
Coding change: c.458C>A on transcript NM_000075.4 (MANE Select); coding-DNA position 458, C replaced by A.
Protein change: p.Thr153Lys; replaces threonine 153 with lysine.
Molecular consequence: missense variant.
Genome position (GRCh38, 1-based): chr12:57,750,987, G>T on the plus strand (C>A on the coding strand, the complement: CDK4 is on the minus strand). VCF-style: chr12-57750987-G-T. GRCh37 (hg19) VCF-style: chr12-58144770-G-T.
Other names: short protein forms T153K.
Identifiers: ClinVar variation 1741695 (VCV001741695.2), dbSNP rs1443076952, ClinGen allele CA385546405.

ClinVar aggregate classification (germline): Uncertain significance (1 of 4 stars; one submission).

Conditions:
Hereditary cancer-predisposing syndrome. Also called: Hereditary Cancer Syndrome; Hereditary neoplastic syndrome; Neoplastic Syndromes, Hereditary; Tumor predisposition. Identifiers: Orphanet 140162, MedGen C0027672, MeSH D009386, MONDO:0015356.

gnomAD v4.1: 1 of 1,614,044 alleles (0.000062%); highest among the groups gnomAD compares: East Asian, 0.0022%; no homozygotes.

Submission:

Ambry Genetics
Classification: Uncertain significance for Hereditary cancer-predisposing syndrome. Last evaluated: 2024-02-22. Review status: criteria provided, single submitter. Criteria: Ambry Variant Classification Scheme 2023. Collection method: clinical testing. Allele origin: germline.
Comment: The p.T153K variant (also known as c.458C>A), located in coding exon 3 of the CDK4 gene, results from a C to A substitution at nucleotide position 458. The threonine at codon 153 is replaced by lysine, an amino acid with similar properties. This amino acid position is not well conserved in available vertebrate species. In addition, this alteration is predicted to be tolerated by in silico analysis. Based on the available evidence, the clinical significance of this alteration remains unclear.